The following is an entry in ClinVar:

NM_173598.6(KSR2):c.2390G>A (p.Gly797Asp)

Gene: KSR2 (kinase suppressor of ras 2; minus strand). Cytogenetic location: 12q24.22.
Variant type: single nucleotide variant.
Coding change: c.2390G>A on transcript NM_173598.6 (MANE Select); coding-DNA position 2390, G replaced by A.
Protein change: p.Gly797Asp; replaces glycine 797 with aspartic acid.
Molecular consequence: missense variant.
Genome position (GRCh38, 1-based): chr12:117,484,476, C>T on the plus strand (G>A on the coding strand, the complement: KSR2 is on the minus strand). VCF-style: chr12-117484476-C-T. GRCh37 (hg19) VCF-style: chr12-117922281-C-T.
Other names: short protein forms G797D.
Identifiers: ClinVar variation 3350260 (VCV003350260.1).

ClinVar aggregate classification (germline): Uncertain significance (0 of 4 stars; one submission).

Conditions:
KSR2-related disorder. Also called: KSR2-related condition.

gnomAD v4.1: 1 of 1,613,718 alleles (0.000062%); highest among the groups gnomAD compares: Non-Finnish European, 0.000085%; no homozygotes.

Submission:

PreventionGenetics, part of Exact Sciences
Classification: Uncertain significance for KSR2-related condition. Last evaluated: 2023-10-25. Review status: no assertion criteria provided. Collection method: clinical testing. Allele origin: germline.
Comment: The KSR2 c.2303G>A variant is predicted to result in the amino acid substitution p.Gly768Asp. To our knowledge, this variant has not been reported in the literature or in a large population database, indicating this variant is rare. At this time, the clinical significance of this variant is uncertain due to the absence of conclusive functional and genetic evidence.